The following is an entry in ClinVar:

NM_000051.4(ATM):c.4565G>A (p.Gly1522Asp)

Gene: ATM (ATM serine/threonine kinase; plus strand). Cytogenetic location: 11q22.3.
Variant type: single nucleotide variant.
Coding change: c.4565G>A on transcript NM_000051.4 (MANE Select); coding-DNA position 4565, G replaced by A.
Protein change: p.Gly1522Asp; replaces glycine 1522 with aspartic acid.
Molecular consequence: missense variant.
Genome position (GRCh38, 1-based): chr11:108,292,747, G>A. VCF-style: chr11-108292747-G-A. GRCh37 (hg19) VCF-style: chr11-108163474-G-A.
Other names: c.4565G>A, p.Gly1522Asp (NM_001351834.2); short protein forms G1522D.
Identifiers: ClinVar variation 557640 (VCV000557640.9), dbSNP rs1555099954, ClinGen allele CA382533871.

ClinVar aggregate classification (germline): Uncertain significance. Review status: criteria provided, multiple submitters, no conflicts (2 of 4 stars). 3 submissions from 3 submitters: Uncertain significance (2). 1 of the submissions does not count toward it. Last evaluated 2023-04-18.

Conditions:
Hereditary cancer-predisposing syndrome. Also called: Tumor predisposition; Neoplastic Syndromes, Hereditary; Hereditary Cancer Syndrome; Hereditary neoplastic syndrome. Identifiers: Orphanet 140162, MedGen C0027672, MeSH D009386, MONDO:0015356.
Ataxia-telangiectasia syndrome (AT). Also called: Ataxia telangiectasia (A-T); ATAXIA-TELANGIECTASIA, COMPLEMENTATION GROUP A; ATAXIA-TELANGIECTASIA, FRESNO VARIANT; Ataxia-telangiectasia; LOUIS-BAR SYNDROME; Cerebello-oculocutaneous telangiectasia. Identifiers: Orphanet 100, MedGen C0004135, MONDO:0008840, OMIM 208900.

Submissions (3):

Ambry Genetics
Classification: Uncertain significance for Hereditary cancer-predisposing syndrome. Last evaluated: 2023-04-18. Review status: criteria provided, single submitter. Criteria: Ambry Variant Classification Scheme 2023. Collection method: clinical testing. Allele origin: germline.
Comment: The p.G1522D variant (also known as c.4565G>A), located in coding exon 29 of the ATM gene, results from a G to A substitution at nucleotide position 4565. The glycine at codon 1522 is replaced by aspartic acid, an amino acid with similar properties. This alteration has been identified in a cohort of high-risk breast/ovarian cancer patients (Cast&eacute;ra L et al. Eur J Hum Genet, 2014 Nov;22:1305-13). This amino acid position is highly conserved in available vertebrate species. In addition, this alteration is predicted to be deleterious by in silico analysis. Since supporting evidence is limited at this time, the clinical significance of this alteration remains unclear.

Labcorp Genetics (formerly Invitae), Labcorp
Classification: Uncertain significance for Ataxia-telangiectasia syndrome. Last evaluated: 2023-04-14. Review status: criteria provided, single submitter. Criteria: Invitae Variant Classification Sherloc (09022015). Collection method: clinical testing. Allele origin: germline.
Comment: ClinVar contains an entry for this variant (Variation ID: 557640). An algorithm developed to predict the effect of missense changes on protein structure and function (PolyPhen-2) suggests that this variant is likely to be disruptive. In summary, the available evidence is currently insufficient to determine the role of this variant in disease. Therefore, it has been classified as a Variant of Uncertain Significance. This missense change has been observed in individual(s) with personal or family history of breast and/or ovarian cancer (PMID: 24549055). This sequence change replaces glycine, which is neutral and non-polar, with aspartic acid, which is acidic and polar, at codon 1522 of the ATM protein (p.Gly1522Asp). This variant is not present in population databases (gnomAD no frequency).

Counsyl
Classification: Uncertain significance for Ataxia-telangiectasia syndrome. Last evaluated: 2018-04-03. Review status: no assertion criteria provided. Collection method: clinical testing. Allele origin: unknown. Not counted in ClinVar's aggregate classification.

Literature cited by the submitters: PubMed 24549055 (cited by Ambry Genetics and Labcorp Genetics (formerly Invitae), Labcorp).